The following is an entry in ClinVar:

NM_000124.4(ERCC6):c.2626A>G (p.Arg876Gly)

Gene: ERCC6 (ERCC excision repair 6, chromatin remodeling factor; minus strand). Cytogenetic location: 10q11.23.
Variant type: single nucleotide variant.
Coding change: c.2626A>G on transcript NM_000124.4 (MANE Select); coding-DNA position 2626, A replaced by G.
Protein change: p.Arg876Gly; replaces arginine 876 with glycine.
Molecular consequence: missense variant.
Genome position (GRCh38, 1-based): chr10:49,473,560, T>C on the plus strand (A>G on the coding strand, the complement: ERCC6 is on the minus strand). VCF-style: chr10-49473560-T-C. GRCh37 (hg19) VCF-style: chr10-50681606-T-C.
Other names: c.2626A>G, p.Arg876Gly (NM_001346440.2); short protein forms R876G.
Identifiers: ClinVar variation 3774717 (VCV003774717.1).

ClinVar aggregate classification (germline): Uncertain significance (1 of 4 stars; one submission).

Submission:

GeneDx
Classification: Uncertain significance. Last evaluated: 2024-09-25. Review status: criteria provided, single submitter. Criteria: GeneDx Variant Classification Process June 2021. Collection method: clinical testing. Allele origin: germline. Affected: yes.
Comment: Not observed at significant frequency in large population cohorts (gnomAD); In silico analysis supports that this missense variant has a deleterious effect on protein structure/function; Has not been previously published as pathogenic or benign to our knowledge